The following is an entry in ClinVar:

NM_000489.6(ATRX):c.5617T>C (p.Phe1873Leu)

Gene: ATRX (ATRX chromatin remodeler; minus strand). Cytogenetic location: Xq21.1.
Variant type: single nucleotide variant.
Coding change: c.5617T>C on transcript NM_000489.6 (MANE Select); coding-DNA position 5617, T replaced by C.
Protein change: p.Phe1873Leu; replaces phenylalanine 1873 with leucine.
Molecular consequence: missense variant.
Genome position (GRCh38, 1-based): chrX:77,600,514, A>G on the plus strand (T>C on the coding strand, the complement: ATRX is on the minus strand). VCF-style: chrX-77600514-A-G. GRCh37 (hg19) VCF-style: chrX-76855983-A-G.
Other names: c.5503T>C, p.Phe1835Leu (NM_138270.5); short protein forms F1835L, F1873L.
Identifiers: ClinVar variation 2663150 (VCV002663150.1), dbSNP rs2148157848, ClinGen allele CA413698341.

ClinVar aggregate classification (germline): Uncertain significance (1 of 4 stars; one submission).

Submission:

GeneDx
Classification: Uncertain significance. Last evaluated: 2023-05-08. Review status: criteria provided, single submitter. Criteria: GeneDx Variant Classification Process June 2021. Collection method: clinical testing. Allele origin: germline. Affected: yes.
Comment: Not observed at significant frequency in large population cohorts (gnomAD); In silico analysis supports that this missense variant has a deleterious effect on protein structure/function; Has not been previously published as pathogenic or benign to our knowledge